The following is an entry in ClinVar:

NM_001985.3(ETFB):c.447C>T (p.Phe149=)

Gene: ETFB (electron transfer flavoprotein subunit beta; minus strand). Cytogenetic location: 19q13.41.
Variant type: single nucleotide variant.
Coding change: c.447C>T on transcript NM_001985.3 (MANE Select); coding-DNA position 447, C replaced by T.
Protein change: p.Phe149=; no amino-acid change (phenylalanine 149 retained).
Molecular consequence: synonymous variant.
Genome position (GRCh38, 1-based): chr19:51,347,050, G>A on the plus strand (C>T on the coding strand, the complement: ETFB is on the minus strand). VCF-style: chr19-51347050-G-A. GRCh37 (hg19) VCF-style: chr19-51850304-G-A.
Other names: p.F149F:TTC>TTT; c.720C>T, p.Phe240= (NM_001014763.1).
Identifiers: ClinVar variation 203698 (VCV000203698.16), dbSNP rs144640661, ClinGen allele CA312496.

ClinVar aggregate classification (germline): Benign/Likely benign. Review status: criteria provided, multiple submitters, no conflicts (2 of 4 stars). 6 submissions from 6 submitters: Benign (4); Likely benign (1). 1 of the submissions does not count toward it. Last evaluated 2026-02-04.

Conditions:
Multiple acyl-CoA dehydrogenase deficiency (MADD). Also called: Glutaric acidemia type II; GA 2; Glutaric aciduria, type 2; ETHYLMALONIC-ADIPICACIDURIA; GA II; Glutaric Acidemia type 2. Identifiers: Orphanet 26791, MedGen C0268596, MONDO:0009282, OMIM 231680.

Allele frequency attached by ClinVar (database versions not stated): ESP Exome Variant Server 0.00077; gnomAD exomes 0.00298 and 0.00769; gnomAD 0.00334 and 0.00423; TOPMed 0.00516; ExAC 0.00760; 1000 Genomes Project 30x 0.01187; 1000 Genomes Project 0.01278.
gnomAD v4.1: 5,125 of 1,613,998 alleles (0.32%); highest among the groups gnomAD compares: East Asian, 4.3%; 65 homozygotes.

Submissions (6):

Labcorp Genetics (formerly Invitae), Labcorp
Classification: Benign for Multiple acyl-CoA dehydrogenase deficiency. Last evaluated: 2026-02-04. Review status: criteria provided, single submitter. Criteria: Invitae Variant Classification Sherloc (09022015). Collection method: clinical testing. Allele origin: germline.

Blueprint Genetics
Classification: Likely benign. Last evaluated: 2024-11-28. Review status: criteria provided, single submitter. Criteria: ACMG Guidelines, 2015. Collection method: clinical testing. Allele origin: germline.

ARUP Laboratories, Molecular Genetics and Genomics, ARUP Laboratories
Classification: Benign for Multiple acyl-CoA dehydrogenase deficiency. Last evaluated: 2023-09-07. Review status: criteria provided, single submitter. Criteria: ARUP Molecular Germline Variant Investigation Process 2024. Collection method: clinical testing. Allele origin: germline.

GeneDx
Classification: Benign. Last evaluated: 2014-06-09. Review status: criteria provided, single submitter. Criteria: GeneDx Variant Classification (06012015). Collection method: clinical testing. Allele origin: germline. Affected: yes.
Comment: This variant is considered likely benign or benign based on one or more of the following criteria: it is a conservative change, it occurs at a poorly conserved position in the protein, it is predicted to be benign by multiple in silico algorithms, and/or has population frequency not consistent with disease.

Breakthrough Genomics
Classification: Benign. Review status: criteria provided, single submitter. Criteria: ACMG Guidelines, 2015. Collection method: not provided. Allele origin: germline. Inheritance: Autosomal recessive inheritance. Affected: yes.

Mayo Clinic Laboratories, Mayo Clinic
Classification: Benign. Last evaluated: 2017-08-04. Review status: no assertion criteria provided. Collection method: clinical testing. Allele origin: unknown. Not counted in ClinVar's aggregate classification.